The following is an entry in ClinVar:

NM_000026.4(ADSL):c.1264G>T (p.Asp422Tyr)

Gene: ADSL (adenylosuccinate lyase; plus strand). Cytogenetic location: 22q13.1.
Variant type: single nucleotide variant.
Coding change: c.1264G>T on transcript NM_000026.4 (MANE Select); coding-DNA position 1264, G replaced by T.
Protein change: p.Asp422Tyr; replaces aspartic acid 422 with tyrosine.
Molecular consequence: missense variant. On other transcripts: non-coding transcript variant (1), intron variant (1).
Genome position (GRCh38, 1-based): chr22:40,364,952, G>T. VCF-style: chr22-40364952-G-T. GRCh37 (hg19) VCF-style: chr22-40760956-G-T.
Other names: ADSL, ASP397TYR; c.1072G>T, p.Asp358Tyr (NM_001317923.2); c.1264G>T, p.Asp422Tyr (NM_001363840.3); c.1191+587G>T (NM_001123378.3); c.1264G>T (NM_000026.3); short protein forms D422Y, D358Y.
Identifiers: ClinVar variation 2464 (VCV000002464.9), dbSNP rs119450943, ClinGen allele CA115567.

ClinVar aggregate classification (germline): Pathogenic/Likely pathogenic. Review status: criteria provided, multiple submitters, no conflicts (2 of 4 stars). 4 submissions from 4 submitters: Pathogenic (1); Likely pathogenic (2). 1 of the submissions does not count toward it. Last evaluated 2026-09-17.

Conditions:
ADSL-related disorder. Also called: ADSL-related condition.
Adenylosuccinate lyase deficiency (ADSLD). Also called: ADSL DEFICIENCY. Identifiers: Orphanet 46, MedGen C0268126, MONDO:0007068, OMIM 103050.

Allele frequency attached by ClinVar (database versions not stated): TOPMed below 0.00001; gnomAD exomes 0.00001 and 0.00002; ExAC 0.00002.
gnomAD v4.1: 11 of 1,614,140 alleles (0.00068%); highest among the groups gnomAD compares: South Asian, 0.0011%; no homozygotes.

Submissions (4):

PreventionGenetics, part of Exact Sciences
Classification: Likely pathogenic for ADSL-related condition. Last evaluated: 2026-09-17. Review status: criteria provided, single submitter. Criteria: ACMG Guidelines, 2015. Collection method: clinical testing. Allele origin: germline.
Comment: The ADSL c.1264G>T variant is predicted to result in the amino acid substitution p.Asp422Tyr. This variant, also known as c.1266G>T (p.Asp397Tyr), has been reported in the compound heterozygous state in an individual with adenylosuccinase deficiency (Verginelli et al. 1998. PubMed ID: 9545543). Functional studies showed the p.Asp422Tyr variant resulted in a significant decrease of enzyme activity (Verginelli et al. 1998. PubMed ID: 9545543; Van Laer. et al. 2018. PubMed ID: 30573755). This variant is reported in 0.0035% of alleles in individuals of European (non-Finnish) descent in gnomAD, and is interpreted as likely pathogenic/pathogenic in the ClinVar database (Variation ID: 2464). This variant is interpreted as likely pathogenic.

GeneDx
Classification: Likely pathogenic. Last evaluated: 2025-06-28. Review status: criteria provided, single submitter. Criteria: GeneDx Variant Classification Process June 2021. Collection method: clinical testing. Allele origin: germline. Affected: yes.
Comment: Reported in a patient with adenylosuccinate lyase (ASL) deficiency in the published literature (PMID: 9545543); Published functional studies demonstrate a damaging effect on enzyme activity (PMID: 30573755); In silico analysis supports that this missense variant has a deleterious effect on protein structure/function; Not observed at significant frequency in large population cohorts (gnomAD); This variant is associated with the following publications: (PMID: 16403972, 30573755, 9545543)

Neuberg Centre For Genomic Medicine, NCGM
Classification: Pathogenic for Adenylosuccinate lyase deficiency. Review status: criteria provided, single submitter. Criteria: ACMG Guidelines, 2015. Collection method: clinical testing. Allele origin: germline. Inheritance: Autosomal recessive inheritance. Affected: yes.
Comment: The missense variant c.1264G>T (p.Asp422Tyr) in ADSL gene has been reported in heterozygous state in individuals affected with Adenylosuccinase deficiency (Van Laer et al., 2018). Experimental studies have shown that this missense decrease in enzymatic activity of this mutant can be directly related to its reduced stability (Van Laer et al., 2018). This variant has allele frequency 0.001% in the gnomAD and novel in 1000 genome database. This variant has been reported to the ClinVar database as Uncertain significance. The amino acid Asp at position 422 is changed to a Tyr changing protein sequence and it might alter its composition and physico-chemical properties. The amino acid change p.Asp422Tyr in ADSL is predicted as conserved by GERP++ and PhyloP across 100 vertebrates. For these reasons, this variant has been classified as Pathogenic.

OMIM
Classification: Pathogenic for ADENYLOSUCCINASE DEFICIENCY. Last evaluated: 1998-02-27. Review status: no assertion criteria provided. Collection method: literature only. Allele origin: germline. Not counted in ClinVar's aggregate classification.

Literature cited by the submitters: PubMed 9545543 (cited by OMIM).